The following is an entry in ClinVar:

ClinVar aggregate classification (germline): Uncertain significance. Review status: criteria provided, multiple submitters, no conflicts (2 of 4 stars). 2 submissions from 2 submitters: Uncertain significance (2). Last evaluated 2024-06-17.

Conditions:
Imerslund-Grasbeck syndrome type 1 (IGS1). Also called: Imerslund-Gräsbeck syndrome 1; Megaloblastic anemia 1, Finnish type; MEGALOBLASTIC ANEMIA, 1. Identifiers: MedGen C4016819, MONDO:0100156, OMIM 261100.
Proteinuria, chronic benign. Identifiers: MedGen C5394384, MONDO:0030042, OMIM 618884.
Imerslund-Grasbeck syndrome. Also called: ENTEROCYTE COBALAMIN MALABSORPTION; ENTEROCYTE INTRINSIC FACTOR RECEPTOR, DEFECT OF; PERNICIOUS ANEMIA, JUVENILE, DUE TO SELECTIVE INTESTINAL MALABSORPTION OF VITAMIN B12, WITH PROTEINURIA; Imerslund-Gräsbeck syndrome; Megaloblastic anemia due to inborn errors of metabolism. Identifiers: Orphanet 35858, MedGen C4551825, MONDO:0009853.

Allele frequency attached by ClinVar (database versions not stated): TOPMed 0.00001; gnomAD 0.00002; gnomAD exomes 0.00001; ExAC 0.00002.
gnomAD v4.1: 22 of 1,614,034 alleles (0.0014%); highest among the groups gnomAD compares: Non-Finnish European, 0.0019%; no homozygotes.

Submissions (2):

Fulgent Genetics
Classification: Uncertain significance for Imerslund-Grasbeck syndrome type 1; Proteinuria, chronic benign. Last evaluated: 2024-06-17. Review status: criteria provided, single submitter. Criteria: ACMG Guidelines, 2015. Collection method: clinical testing. Allele origin: germline.

Labcorp Genetics (formerly Invitae), Labcorp
Classification: Uncertain significance for Imerslund-Grasbeck syndrome. Last evaluated: 2022-01-18. Review status: criteria provided, single submitter. Criteria: Invitae Variant Classification Sherloc (09022015). Collection method: clinical testing. Allele origin: germline.
Comment: This sequence change replaces valine, which is neutral and non-polar, with glutamic acid, which is acidic and polar, at codon 753 of the CUBN protein (p.Val753Glu). This variant is present in population databases (rs763874458, gnomAD 0.006%). This variant has not been reported in the literature in individuals affected with CUBN-related conditions. Algorithms developed to predict the effect of missense changes on protein structure and function are either unavailable or do not agree on the potential impact of this missense change (SIFT: "Deleterious"; PolyPhen-2: "Probably Damaging"; Align-GVGD: "Class C0"). In summary, the available evidence is currently insufficient to determine the role of this variant in disease. Therefore, it has been classified as a Variant of Uncertain Significance.

NM_001081.4(CUBN):c.2258T>A (p.Val753Glu)

Gene: CUBN (cubilin; minus strand). Cytogenetic location: 10p13.
Variant type: single nucleotide variant.
Coding change: c.2258T>A on transcript NM_001081.4 (MANE Select); coding-DNA position 2258, T replaced by A.
Protein change: p.Val753Glu; replaces valine 753 with glutamic acid.
Molecular consequence: missense variant.
Genome position (GRCh38, 1-based): chr10:17,084,314, A>T on the plus strand (T>A on the coding strand, the complement: CUBN is on the minus strand). VCF-style: chr10-17084314-A-T. GRCh37 (hg19) VCF-style: chr10-17126313-A-T.
Other names: short protein forms V753E.
Identifiers: ClinVar variation 2177649 (VCV002177649.2), dbSNP rs763874458, ClinGen allele CA5425043.